The following is an entry in ClinVar:

NM_000512.5(GALNS):c.608C>T (p.Ala203Val)

Gene: GALNS (galactosamine (N-acetyl)-6-sulfatase; minus strand). Cytogenetic location: 16q24.3.
Variant type: single nucleotide variant.
Coding change: c.608C>T on transcript NM_000512.5 (MANE Select); coding-DNA position 608, C replaced by T.
Protein change: p.Ala203Val; replaces alanine 203 with valine.
Molecular consequence: missense variant.
Genome position (GRCh38, 1-based): chr16:88,836,226, G>A on the plus strand (C>T on the coding strand, the complement: GALNS is on the minus strand). VCF-style: chr16-88836226-G-A. GRCh37 (hg19) VCF-style: chr16-88902634-G-A.
Other names: c.53C>T, p.Ala18Val (NM_001323543.2); c.626C>T, p.Ala209Val (NM_001323544.2); short protein forms A18V, A203V, A209V.
Identifiers: ClinVar variation 1048417 (VCV001048417.5), dbSNP rs2143001722, ClinGen allele CA397081203.

ClinVar aggregate classification (germline): Uncertain significance. Review status: criteria provided, multiple submitters, no conflicts (2 of 4 stars). 2 submissions from 2 submitters: Uncertain significance (2). Last evaluated 2025-04-15.

Conditions:
Mucopolysaccharidosis, MPS-IV-A (MPS4A). Also called: Mucopolysaccharidosis type IV A; Mucopolysaccharidosis Type IVA; Morquio syndrome A, mild; MORQUIO SYNDROME A; MPS IVA; mucopolysaccharidosis type 4A. Identifiers: Orphanet 309297, Orphanet 582, MedGen C0086651, MONDO:0009659, OMIM 253000.

Submissions (2):

Women's Health and Genetics/Laboratory Corporation of America, LabCorp
Classification: Uncertain significance. Last evaluated: 2025-04-15. Review status: criteria provided, single submitter. Criteria: LabCorp Variant Classification Summary - May 2015. Collection method: clinical testing. Allele origin: germline.
Comment: Variant summary: GALNS c.608C>T (p.Ala203Val) results in a non-conservative amino acid change in the encoded protein sequence. Three of five in-silico tools predict a damaging effect of the variant on protein function. The variant was absent in 250666 control chromosomes. c.608C>T has been observed in individuals affected with Mucopolysaccharidosis Type IVA (Morquio Syndrome A) including as compound heterozygous or unreported genotypes (e.g. Bidchol_2014, Dung_2013, Tomatsu_2006). These data indicate that the variant may be associated with disease. To our knowledge, no experimental evidence demonstrating an impact on protein function has been reported. The following publications have been ascertained in the context of this evaluation (PMID: 25252036, 23876334, 16837223). ClinVar contains an entry for this variant (Variation ID: 1048417). Based on the evidence outlined above, the variant was classified as VUS-possibly pathogenic.

Laboratory of Diagnosis and Therapy of Lysosomal Disorders, University of Padova
Classification: Uncertain significance for Mucopolysaccharidosis, MPS-IV-A. Last evaluated: 2021-02-01. Review status: criteria provided, single submitter. Criteria: ACMG Guidelines, 2015. Collection method: curation. Allele origin: germline. Affected: yes.
Comment: In vivo functional studies supportive of a damaging effect on the gene product (low to null enzymatic activity in homozygotes; PS3_supporting); the prevalence of the variant in affected individuals is significantly increased compared with the prevalence in controls (PS4_supporting); absent from gnomAD v2.1.1 (PM2_moderate)

Literature cited by the submitters: PubMed 23876334 (cited by Women's Health and Genetics/Laboratory Corporation of America, LabCorp and Laboratory of Diagnosis and Therapy of Lysosomal Disorders, University of Padova); PubMed 16837223 (cited by Women's Health and Genetics/Laboratory Corporation of America, LabCorp); PubMed 25252036 (cited by Women's Health and Genetics/Laboratory Corporation of America, LabCorp and Laboratory of Diagnosis and Therapy of Lysosomal Disorders, University of Padova); PubMed 16287098 (cited by Laboratory of Diagnosis and Therapy of Lysosomal Disorders, University of Padova); PubMed 34387910 (cited by Laboratory of Diagnosis and Therapy of Lysosomal Disorders, University of Padova).